The following is an entry in ClinVar:

ClinVar aggregate classification (germline): Uncertain significance (1 of 4 stars; one submission).

Conditions:
Glycine encephalopathy. Also called: Nonketotic hyperglycinemia; Non-ketotic hyperglycinemia. Identifiers: Orphanet 407, MedGen C0751748, MONDO:0011612, HP:0008288.

Allele frequency attached by ClinVar (database versions not stated): gnomAD exomes below 0.00001; TOPMed below 0.00001.
gnomAD v4.1: 1 of 1,614,144 alleles (0.000062%); highest among the groups gnomAD compares: Non-Finnish European, 0.000085%; no homozygotes.

Submission:

Labcorp Genetics (formerly Invitae), Labcorp
Classification: Uncertain significance for Glycine encephalopathy. Last evaluated: 2023-12-11. Review status: criteria provided, single submitter. Criteria: Invitae Variant Classification Sherloc (09022015). Collection method: clinical testing. Allele origin: germline.
Comment: This sequence change replaces glutamine, which is neutral and polar, with histidine, which is basic and polar, at codon 385 of the AMT protein (p.Gln385His). This variant is not present in population databases (gnomAD no frequency). This variant has not been reported in the literature in individuals affected with AMT-related conditions. ClinVar contains an entry for this variant (Variation ID: 2180852). Advanced modeling of protein sequence and biophysical properties (such as structural, functional, and spatial information, amino acid conservation, physicochemical variation, residue mobility, and thermodynamic stability) performed at Invitae indicates that this missense variant is not expected to disrupt AMT protein function with a negative predictive value of 95%. In summary, the available evidence is currently insufficient to determine the role of this variant in disease. Therefore, it has been classified as a Variant of Uncertain Significance.

NM_000481.4(AMT):c.1155G>C (p.Gln385His)

Gene: AMT (aminomethyltransferase; minus strand). Cytogenetic location: 3p21.31.
Variant type: single nucleotide variant.
Coding change: c.1155G>C on transcript NM_000481.4 (MANE Select); coding-DNA position 1155, G replaced by C.
Protein change: p.Gln385His; replaces glutamine 385 with histidine.
Molecular consequence: missense variant. On other transcripts: non-coding transcript variant (1), intron variant (1).
Genome position (GRCh38, 1-based): chr3:49,417,597, C>G on the plus strand (G>C on the coding strand, the complement: AMT is on the minus strand). VCF-style: chr3-49417597-C-G. GRCh37 (hg19) VCF-style: chr3-49455030-C-G.
Other names: c.1023G>C, p.Gln341His (NM_001164710.2); c.987G>C, p.Gln329His (NM_001164711.2); c.1137+18G>C (NM_001164712.2); short protein forms Q385H, Q329H, Q341H.
Identifiers: ClinVar variation 2180852 (VCV002180852.4), dbSNP rs972972652, ClinGen allele CA74511684.